The following is an entry in ClinVar:

ClinVar aggregate classification (germline): Uncertain significance. Review status: criteria provided, multiple submitters, no conflicts (2 of 4 stars). 2 submissions from 2 submitters: Uncertain significance (2). Last evaluated 2025-12-15.

Conditions:
Thrombomodulin-related bleeding disorder (THPH12). Also called: Thrombophilia due to thrombomodulin defect. Identifiers: Orphanet 436169, MedGen C3280976, MONDO:0013775, OMIM 614486.
Atypical hemolytic-uremic syndrome with thrombomodulin anomaly. Also called: HEMOLYTIC UREMIC SYNDROME, ATYPICAL, SUSCEPTIBILITY TO, 6; AHUS, SUSCEPTIBILITY TO, 6. Identifiers: MedGen C2752036, MONDO:0013044, OMIM 612926. Disease mechanism: gain of function.

gnomAD v4.1: 6 of 1,581,844 alleles (0.00038%); highest among the groups gnomAD compares: East Asian, 0.011%; no homozygotes.

Submissions (2):

Labcorp Genetics (formerly Invitae), Labcorp
Classification: Uncertain significance. Last evaluated: 2025-12-15. Review status: criteria provided, single submitter. Criteria: Invitae Variant Classification Sherloc (09022015). Collection method: clinical testing. Allele origin: germline.
Comment: This sequence change replaces aspartic acid, which is acidic and polar, with asparagine, which is neutral and polar, at codon 114 of the THBD protein (p.Asp114Asn). This variant is present in population databases (rs770936872, gnomAD 0.05%). This variant has not been reported in the literature in individuals affected with THBD-related conditions. ClinVar contains an entry for this variant (Variation ID: 3587139). Invitae Evidence Modeling of protein sequence and biophysical properties (such as structural, functional, and spatial information, amino acid conservation, physicochemical variation, residue mobility, and thermodynamic stability) has been performed for this missense variant. However, the output from this modeling did not meet the statistical confidence thresholds required to predict the impact of this variant on THBD protein function. In summary, the available evidence is currently insufficient to determine the role of this variant in disease. Therefore, it has been classified as a Variant of Uncertain Significance.

Fulgent Genetics
Classification: Uncertain significance for Atypical hemolytic-uremic syndrome with thrombomodulin anomaly; Thrombomodulin-related bleeding disorder. Last evaluated: 2024-03-20. Review status: criteria provided, single submitter. Criteria: ACMG Guidelines, 2015. Collection method: clinical testing. Allele origin: germline.

NM_000361.3(THBD):c.340G>A (p.Asp114Asn)

Gene: THBD (thrombomodulin; minus strand). Cytogenetic location: 20p11.21.
Variant type: single nucleotide variant.
Coding change: c.340G>A on transcript NM_000361.3 (MANE Select); coding-DNA position 340, G replaced by A.
Protein change: p.Asp114Asn; replaces aspartic acid 114 with asparagine.
Molecular consequence: missense variant.
Genome position (GRCh38, 1-based): chr20:23,049,165, C>T on the plus strand (G>A on the coding strand, the complement: THBD is on the minus strand). VCF-style: chr20-23049165-C-T. GRCh37 (hg19) VCF-style: chr20-23029802-C-T.
Other names: short protein forms D114N.
Identifiers: ClinVar variation 3587139 (VCV003587139.3).
Genomic context (GRCh38, chr20:23,049,165, plus strand): 5'-CGCAGAGGGGAGCCCCATTGAGGTCGAGCCGTGCCCACCTGCTATAGCTGGTGTTGTTGT[C>T]TCCCGTAACCCACTGGAAGCCGCGCAGGGGCCCGAGGCGCTTGGGGTCGCCGCAGCCGGG-3'
Protein context (NP_000352.1, residues 104-124): PLRGFQWVTG[Asp114Asn]NNTSYSRWAR